The following is an entry in ClinVar:

NM_176824.3(BBS7):c.613_614del (p.Glu205fs)

Gene: BBS7 (Bardet-Biedl syndrome 7; minus strand). Cytogenetic location: 4q27.
Variant type: Microsatellite.
Coding change: c.613_614del on transcript NM_176824.3 (MANE Select); coding-DNA positions 613 to 614, 2 bases deleted (GA; older notation c.613_614delGA).
Protein change: p.Glu205fs; shifts the reading frame from glutamic acid 205.
Molecular consequence: frameshift variant.
Genome position (GRCh38, 1-based): chr4:121,854,808-121,854,809, TC deleted on the plus strand (GA on the coding strand, the reverse complement: BBS7 is on the minus strand); deleting any 2 consecutive bases within chr4:121,854,808-121,854,811 gives the same sequence; the c. name uses the placement nearest the transcript's 3' end. VCF-style (leftmost placement, unchanged base first): chr4-121854807-TTC-T. GRCh37 (hg19) VCF-style: chr4-122775962-TTC-T.
Other names: c.613_614del, p.Glu205fs (NM_018190.4); short protein forms E205fs.
Identifiers: ClinVar variation 2680078 (VCV002680078.5), dbSNP rs1258851646, ClinGen allele CA554188417.

ClinVar aggregate classification (germline): Pathogenic/Likely pathogenic. Review status: criteria provided, multiple submitters, no conflicts (2 of 4 stars). 3 submissions from 3 submitters: Pathogenic (1); Likely pathogenic (2). Last evaluated 2025-04-13.

Conditions:
Bardet-Biedl syndrome 7 (BBS7). Identifiers: Orphanet 110, MedGen C1859565, MONDO:0014435, OMIM 615984.
Bardet-Biedl syndrome (BBS). Identifiers: Orphanet 110, MedGen C0752166, MONDO:0015229.

Submissions (3):

Labcorp Genetics (formerly Invitae), Labcorp
Classification: Pathogenic for Bardet-Biedl syndrome. Last evaluated: 2025-04-13. Review status: criteria provided, single submitter. Criteria: Invitae Variant Classification Sherloc (09022015). Collection method: clinical testing. Allele origin: germline.
Comment: This sequence change creates a premature translational stop signal (p.Glu205Argfs*30) in the BBS7 gene. It is expected to result in an absent or disrupted protein product. Loss-of-function variants in BBS7 are known to be pathogenic (PMID: 12567324, 19402160, 21209035, 31196119). This variant is present in population databases (no rsID available, gnomAD 0.0009%). This premature translational stop signal has been observed in individual(s) with clinical features of Bardet-Biedl syndrome (internal data). In at least one individual the data is consistent with being in trans (on the opposite chromosome) from a pathogenic variant. For these reasons, this variant has been classified as Pathogenic.

Fulgent Genetics
Classification: Likely pathogenic for Bardet-Biedl syndrome 7. Last evaluated: 2024-05-21. Review status: criteria provided, single submitter. Criteria: ACMG Guidelines, 2015. Collection method: clinical testing. Allele origin: germline.

Baylor Genetics
Classification: Likely pathogenic for Bardet-Biedl syndrome 7. Last evaluated: 2023-04-03. Review status: criteria provided, single submitter. Criteria: ACMG Guidelines, 2015. Collection method: clinical testing. Allele origin: unknown.

Literature cited by the submitters: PubMed 12567324 (cited by Labcorp Genetics (formerly Invitae), Labcorp); PubMed 19402160 (cited by Labcorp Genetics (formerly Invitae), Labcorp); PubMed 21209035 (cited by Labcorp Genetics (formerly Invitae), Labcorp); PubMed 31196119 (cited by Labcorp Genetics (formerly Invitae), Labcorp).